The following is an entry in ClinVar:

NM_000256.3(MYBPC3):c.2576C>T (p.Pro859Leu)

Gene: MYBPC3 (myosin binding protein C3; minus strand). Cytogenetic location: 11p11.2.
Variant type: single nucleotide variant.
Coding change: c.2576C>T on transcript NM_000256.3 (MANE Select); coding-DNA position 2576, C replaced by T.
Protein change: p.Pro859Leu; replaces proline 859 with leucine.
Molecular consequence: missense variant.
Genome position (GRCh38, 1-based): chr11:47,337,417, G>A on the plus strand (C>T on the coding strand, the complement: MYBPC3 is on the minus strand). VCF-style: chr11-47337417-G-A. GRCh37 (hg19) VCF-style: chr11-47358968-G-A.
Other names: short protein forms P859L.
Identifiers: ClinVar variation 3072113 (VCV003072113.1), dbSNP rs761338253, ClinGen allele CA078825.

ClinVar aggregate classification (germline): Uncertain significance (1 of 4 stars; one submission).

Conditions:
Hypertrophic cardiomyopathy. Also called: HYPERTROPHIC MYOCARDIOPATHY. Identifiers: Orphanet 217569, MedGen C0007194, MeSH D002312, MONDO:0005045, HP:0001639.

Allele frequency attached by ClinVar (database versions not stated): ExAC 0.00001.
gnomAD v4.1: 5 of 1,602,532 alleles (0.00031%); highest among the groups gnomAD compares: South Asian, 0.0044%; no homozygotes.

Submission:

All of Us Research Program, National Institutes of Health
Classification: Uncertain significance for Hypertrophic cardiomyopathy. Last evaluated: 2023-06-28. Review status: criteria provided, single submitter. Criteria: ACMG Guidelines, 2015. Collection method: clinical testing. Allele origin: germline. Inheritance: Autosomal dominant inheritance. Observed: 1 variant allele, 1 heterozygote.
Comment: This study involves interpretation of variants in research participants for the purpose of population health screening. Participant phenotype was not available at the time of variant classification. Additional details can be found in publication PMID: 35346344, PMCID: PMC8962531